The following is an entry in ClinVar:

NM_032383.5(HPS3):c.2411C>G (p.Ser804Ter)

Genes: CP (ceruloplasmin; minus strand), HPS3 (HPS3 biogenesis of lysosomal organelles complex 2 subunit 1; plus strand). Cytogenetic location: 3q24.
Variant type: single nucleotide variant.
Coding change: c.2411C>G on transcript NM_032383.5 (MANE Select); coding-DNA position 2411, C replaced by G.
Protein change: p.Ser804Ter; replaces serine 804 with a stop codon.
Molecular consequence: nonsense. On other transcripts: non-coding transcript variant (1).
Genome position (GRCh38, 1-based): chr3:149,162,808, C>G. VCF-style: chr3-149162808-C-G. GRCh37 (hg19) VCF-style: chr3-148880595-C-G.
Other names: c.1916C>G, p.Ser639Ter (NM_001308258.2); short protein forms S804*, S639*.
Identifiers: ClinVar variation 2708657 (VCV002708657.3), dbSNP rs552963632, ClinGen allele CA354924506.

ClinVar aggregate classification (germline): Pathogenic (1 of 4 stars; one submission).

Submission:

Labcorp Genetics (formerly Invitae), Labcorp
Classification: Pathogenic. Last evaluated: 2024-01-10. Review status: criteria provided, single submitter. Criteria: Invitae Variant Classification Sherloc (09022015). Collection method: clinical testing. Allele origin: germline.
Comment: This sequence change creates a premature translational stop signal (p.Ser804*) in the HPS3 gene. It is expected to result in an absent or disrupted protein product. Loss-of-function variants in HPS3 are known to be pathogenic (PMID: 11590544). This variant is not present in population databases (gnomAD no frequency). This variant has not been reported in the literature in individuals affected with HPS3-related conditions. For these reasons, this variant has been classified as Pathogenic.

Literature cited by the submitters: PubMed 11590544.